The following is an entry in ClinVar:

NM_024334.3(TMEM43):c.882+3G>A

Gene: TMEM43 (transmembrane protein 43; plus strand). Cytogenetic location: 3p25.1.
Variant type: single nucleotide variant.
Coding change: c.882+3G>A on transcript NM_024334.3 (MANE Select); 3 bases into the intron after coding-DNA position 882, G replaced by A.
Molecular consequence: intron variant.
Genome position (GRCh38, 1-based): chr3:14,135,911, G>A. VCF-style: chr3-14135911-G-A. GRCh37 (hg19) VCF-style: chr3-14177411-G-A.
Identifiers: ClinVar variation 392773 (VCV000392773.3), dbSNP rs1057524625, ClinGen allele CA16604383.

ClinVar aggregate classification (germline): Conflicting classifications of pathogenicity. Review status: criteria provided, conflicting classifications (1 of 4 stars). 3 submissions from 3 submitters: Uncertain significance (2); Likely benign (1). Last evaluated 2025-08-24.

Conditions:
Cardiovascular phenotype. Identifiers: MedGen CN230736.
Cardiomyopathy (CMYO). Also called: Cardiomyopathies. Identifiers: Orphanet 167848, MedGen C0878544, MONDO:0004994, HP:0001638. Inheritance: Various modes of inheritance.

Submissions (3):

Color Diagnostics, LLC DBA Color Health
Classification: Uncertain significance for Cardiomyopathy. Last evaluated: 2025-08-24. Review status: criteria provided, single submitter. Criteria: ACMG Guidelines, 2015. Collection method: clinical testing. Allele origin: germline.
Comment: This variant causes a G to A nucleotide substitution at the +3 position of intron 10/11 of the TMEM43 gene. To our knowledge, functional studies have not been reported for this variant. This variant has not been reported in individuals affected with TMEM43-related disorders in the literature. This variant has not been identified in the general population by the Genome Aggregation Database (gnomAD). The available evidence is insufficient to determine the role of this variant in disease conclusively. Therefore, this variant is classified as a Variant of Uncertain Significance.

Ambry Genetics
Classification: Uncertain significance for Cardiovascular phenotype. Last evaluated: 2025-03-21. Review status: criteria provided, single submitter. Criteria: Ambry Variant Classification Scheme 2023. Collection method: clinical testing. Allele origin: germline.
Comment: The c.882+3G>A intronic variant results from a G to A substitution 3 nucleotides after coding exon 10 in the TMEM43 gene. This nucleotide position is well conserved in available vertebrate species. In silico splice site analysis predicts that this alteration will not have any significant effect on splicing. Based on the available evidence, the clinical significance of this variant remains unclear.

GeneDx
Classification: Likely benign. Last evaluated: 2017-01-16. Review status: criteria provided, single submitter. Criteria: GeneDx Variant Classification (06012015). Collection method: clinical testing. Allele origin: germline. Affected: yes.
Comment: This variant is considered likely benign or benign based on one or more of the following criteria: it is a conservative change, it occurs at a poorly conserved position in the protein, it is predicted to be benign by multiple in silico algorithms, and/or has population frequency not consistent with disease.